The following is an entry in ClinVar:

ClinVar aggregate classification (germline): other (0 of 4 stars; one submission).

Conditions:
Familial colorectal cancer. Identifiers: MedGen CN280943, MONDO:0023113. Disease mechanism: loss of function.

Submission:

Systems Biology Platform Zhejiang California International NanoSystems Institute
Classification: other for Familial colorectal cancer. Review status: no assertion criteria provided. Collection method: not provided. Allele origin: unknown.
ClinVar note: Converted during submission from cancer to other.

NC_000005.10:g.112851076G>T

Variant type: single nucleotide variant.
Genome position: GRCh38 VCF-style: chr5-112851076-G-T. GRCh37 (hg19) VCF-style: chr5-112186773-G-T.
Identifiers: ClinVar variation 82673 (VCV000082673.3), dbSNP rs73220029, ClinGen allele CA250813.
Genomic context (GRCh38, chr5:112,851,076, plus strand): 5'-CCTGAGTAGCTGGGATTACAGGCATCCACCAACACACCCAGCTAATCTTTTGTATTTTTA[G>T]TAGAGACAGGGTTTTACCATTTTGGTCAGGCTGGTCTCAAACTCCTGAGCTTAGGTGATC-3'